The following is an entry in ClinVar:

NM_203500.2(KEAP1):c.471C>T (p.Asn157=)

Gene: KEAP1 (kelch like ECH associated protein 1; minus strand). Cytogenetic location: 19p13.2.
Variant type: single nucleotide variant.
Coding change: c.471C>T on transcript NM_203500.2 (MANE Select); coding-DNA position 471, C replaced by T.
Protein change: p.Asn157=; no amino-acid change (asparagine 157 retained).
Molecular consequence: synonymous variant.
Genome position (GRCh38, 1-based): chr19:10,499,563, G>A on the plus strand (C>T on the coding strand, the complement: KEAP1 is on the minus strand). VCF-style: chr19-10499563-G-A. GRCh37 (hg19) VCF-style: chr19-10610239-G-A.
Other names: c.471C>T, p.Asn157= (NM_012289.4).
Identifiers: ClinVar variation 2649294 (VCV002649294.24), dbSNP rs200294114, ClinGen allele CA9195655.

ClinVar aggregate classification (germline): Likely benign (1 of 4 stars; one submission).

Allele frequency attached by ClinVar (database versions not stated): 1000 Genomes Project 30x 0.00016; gnomAD exomes 0.00017; TOPMed 0.00018; 1000 Genomes Project 0.00020; gnomAD 0.00020; ESP Exome Variant Server 0.00023; ExAC 0.00030.
gnomAD v4.1: 297 of 1,614,162 alleles (0.018%); highest among the groups gnomAD compares: South Asian, 0.088%; 6 homozygotes.

Submission:

CeGaT Center for Human Genetics Tuebingen
Classification: Likely benign. Last evaluated: 2022-10-01. Review status: criteria provided, single submitter. Criteria: CeGaT Center For Human Genetics Tuebingen Variant Classification Criteria Version 2. Collection method: clinical testing. Allele origin: germline. Affected: yes. Observed: 1 variant allele.
Comment: KEAP1: BP4, BP7